The following is an entry in ClinVar:

NM_033056.4(PCDH15):c.5761T>G (p.Ser1921Ala)

Gene: PCDH15 (protocadherin related 15; minus strand). Cytogenetic location: 10q21.1.
Variant type: single nucleotide variant.
Coding change: c.5761T>G on transcript NM_033056.4 (MANE Plus Clinical); coding-DNA position 5761, T replaced by G.
Protein change: p.Ser1921Ala; replaces serine 1921 with alanine.
Molecular consequence: missense variant. On other transcripts: intron variant (8).
Genome position (GRCh38, 1-based): chr10:53,821,965, A>C on the plus strand (T>G on the coding strand, the complement: PCDH15 is on the minus strand). VCF-style: chr10-53821965-A-C. GRCh37 (hg19) VCF-style: chr10-55581725-A-C.
Other names: c.5767T>G, p.Ser1923Ala (NM_001142764.2); c.5554T>G, p.Ser1852Ala (NM_001142765.2); c.5752T>G, p.Ser1918Ala (NM_001142766.2); c.5641T>G, p.Ser1881Ala (NM_001142767.2); c.5701T>G, p.Ser1901Ala (NM_001142768.2); c.5692T>G, p.Ser1898Ala (NM_001142773.2); c.5695T>G, p.Ser1899Ala (NM_001354404.2); c.4367+5428T>G (NM_001354420.2); and 7 more; short protein forms S1899A, S1918A, S1898A, S1921A, S1928A, S1881A, S1901A, S1923A.
Identifiers: ClinVar variation 1475719 (VCV001475719.8), dbSNP rs200228833, ClinGen allele CA376524278.
Genomic context (GRCh38, chr10:53,821,965, plus strand): 5'-CAATATTGTTCAAACTCCCCTTGTTTTGTTCAGATGTGATTTCCATATTTGTTACTTCTG[A>C]AGGGCACATAGTTTGAAGTTCTGAAACATTTGTGCGTAGATAGTTTTTTTCTATTTGACT-3'
Protein context (NP_149045.3, residues 1911-1931): NVSELQTMCP[Ser1921Ala]EVTNMEITSE

ClinVar aggregate classification (germline): Uncertain significance (1 of 4 stars; one submission).

Submission:

Labcorp Genetics (formerly Invitae), Labcorp
Classification: Uncertain significance. Last evaluated: 2020-11-22. Review status: criteria provided, single submitter. Criteria: Invitae Variant Classification Sherloc (09022015). Collection method: clinical testing. Allele origin: germline.
Comment: In summary, the available evidence is currently insufficient to determine the role of this variant in disease. Therefore, it has been classified as a Variant of Uncertain Significance. Algorithms developed to predict the effect of missense changes on protein structure and function output the following: SIFT: "Tolerated"; PolyPhen-2: "Not Available"; Align-GVGD: "Class C0". The alanine amino acid residue is found in multiple mammalian species, suggesting that this missense change does not adversely affect protein function. These predictions have not been confirmed by published functional studies and their clinical significance is uncertain. This variant has not been reported in the literature in individuals with PCDH15-related conditions. This variant is not present in population databases (ExAC no frequency). This sequence change replaces serine with alanine at codon 1921 of the PCDH15 protein (p.Ser1921Ala). The serine residue is weakly conserved and there is a moderate physicochemical difference between serine and alanine.